The following is an entry in ClinVar:

ClinVar aggregate classification (germline): Uncertain significance. Review status: criteria provided, multiple submitters, no conflicts (2 of 4 stars). 5 submissions from 4 submitters: Uncertain significance (4). 1 of the submissions does not count toward it. Last evaluated 2024-08-23.

Conditions:
Retinitis pigmentosa (RP). Identifiers: Orphanet 791, MedGen C0035334, MeSH D012174, MONDO:0019200, OMIM 268000. Inheritance: Autosomal dominant, autosomal recessive and X linked inheritance.
Enhanced S-cone syndrome (ESCS). Identifiers: Orphanet 53540, MedGen C1849394, MONDO:0100288, MONDO:0009989.

Allele frequency attached by ClinVar (database versions not stated): gnomAD 0.00001; TOPMed 0.00003; gnomAD exomes 0.00005; ExAC 0.00006.
gnomAD v4.1: 25 of 1,551,060 alleles (0.0016%); highest among the groups gnomAD compares: South Asian, 0.0071%; no homozygotes.

Submissions (5):

Blueprint Genetics
Classification: Uncertain significance. Last evaluated: 2024-08-23. Review status: criteria provided, single submitter. Criteria: ACMG Guidelines, 2015. Collection method: clinical testing. Allele origin: germline.

Labcorp Genetics (formerly Invitae), Labcorp
Classification: Uncertain significance. Last evaluated: 2024-04-13. Review status: criteria provided, single submitter. Criteria: Invitae Variant Classification Sherloc (09022015). Collection method: clinical testing. Allele origin: germline.
Comment: This sequence change replaces alanine, which is neutral and non-polar, with valine, which is neutral and non-polar, at codon 111 of the NR2E3 protein (p.Ala111Val). This variant is present in population databases (rs759381786, gnomAD 0.01%). This missense change has been observed in individual(s) with retinitis pigmentosa (Invitae). ClinVar contains an entry for this variant (Variation ID: 317009). Advanced modeling of protein sequence and biophysical properties (such as structural, functional, and spatial information, amino acid conservation, physicochemical variation, residue mobility, and thermodynamic stability) performed at Invitae indicates that this missense variant is not expected to disrupt NR2E3 protein function with a negative predictive value of 80%. Algorithms developed to predict the effect of sequence changes on RNA splicing suggest that this variant may disrupt the consensus splice site. In summary, the available evidence is currently insufficient to determine the role of this variant in disease. Therefore, it has been classified as a Variant of Uncertain Significance.

Illumina Laboratory Services, Illumina
Classification: Uncertain significance for ENHANCED S-CONE SYNDROME 1. Last evaluated: 2018-01-12. Review status: criteria provided, single submitter. Criteria: ICSL Variant Classification Criteria 13 December 2019. Collection method: clinical testing. Allele origin: germline.

Illumina Laboratory Services, Illumina
Classification: Uncertain significance for Retinitis pigmentosa. Last evaluated: 2018-01-12. Review status: criteria provided, single submitter. Criteria: ICSL Variant Classification Criteria 13 December 2019. Collection method: clinical testing. Allele origin: germline.

Natera, Inc.
Classification: Uncertain significance for Enhanced S cone syndrome. Last evaluated: 2020-11-06. Review status: no assertion criteria provided. Collection method: clinical testing. Allele origin: germline. Not counted in ClinVar's aggregate classification.

NM_014249.4(NR2E3):c.332C>T (p.Ala111Val)

Gene: NR2E3 (nuclear receptor subfamily 2 group E member 3; plus strand). Cytogenetic location: 15q23.
Variant type: single nucleotide variant.
Coding change: c.332C>T on transcript NM_014249.4 (MANE Select); coding-DNA position 332, C replaced by T.
Protein change: p.Ala111Val; replaces alanine 111 with valine.
Molecular consequence: missense variant.
Genome position (GRCh38, 1-based): chr15:71,811,852, C>T. VCF-style: chr15-71811852-C-T. GRCh37 (hg19) VCF-style: chr15-72104192-C-T.
Other names: c.332C>T, p.Ala111Val (NM_016346.4); short protein forms A111V.
Identifiers: ClinVar variation 317009 (VCV000317009.16), dbSNP rs759381786, ClinGen allele CA7640284.
Genomic context (GRCh38, chr15:71,811,852, plus strand): 5'-CCGTGGACAAGGCCCACCGCAACCAGTGCCAGGCCTGCCGGCTGAAGAAGTGCCTGCAGG[C>T]GGGGATGAACCAGGACGGTGAGGCGGGGGCTGGCCCGGGGGGAGGTGACAAGAAATGGGC-3'
Protein context (NP_055064.1, residues 101-121): QACRLKKCLQ[Ala111Val]GMNQDAVQNE